The following is an entry in ClinVar:

ClinVar aggregate classification (germline): Uncertain significance. Review status: criteria provided, multiple submitters, no conflicts (2 of 4 stars). 2 submissions from 2 submitters: Uncertain significance (2). Last evaluated 2026-01-26.

Conditions:
Severe combined immunodeficiency due to DCLRE1C deficiency (RS-SCID). Also called: SCID, AUTOSOMAL RECESSIVE, T CELL-NEGATIVE, B CELL-NEGATIVE, NK CELL-POSITIVE, WITH SENSITIVITY TO IONIZING RADIATION. Identifiers: Orphanet 275, MedGen C1865371, MONDO:0011225, OMIM 602450.

Allele frequency attached by ClinVar (database versions not stated): gnomAD 0.00004; gnomAD exomes 0.00003; ESP Exome Variant Server 0.00023; TOPMed 0.00003; ExAC 0.00004.
gnomAD v4.1: 52 of 1,613,762 alleles (0.0032%); highest among the groups gnomAD compares: Non-Finnish European, 0.0038%; no homozygotes.

Submissions (2):

Labcorp Genetics (formerly Invitae), Labcorp
Classification: Uncertain significance for Athabaskan severe combined immunodeficiency. Last evaluated: 2026-01-26. Review status: criteria provided, single submitter. Criteria: Invitae Variant Classification Sherloc (09022015). Collection method: clinical testing. Allele origin: germline.
Comment: This sequence change replaces isoleucine, which is neutral and non-polar, with threonine, which is neutral and polar, at codon 680 of the DCLRE1C protein (p.Ile680Thr). This variant is present in population databases (rs140602902, gnomAD 0.004%). This variant has not been reported in the literature in individuals affected with DCLRE1C-related conditions. ClinVar contains an entry for this variant (Variation ID: 579838). An algorithm developed to predict the effect of missense changes on protein structure and function (PolyPhen-2) suggests that this variant is likely to be tolerated. In summary, the available evidence is currently insufficient to determine the role of this variant in disease. Therefore, it has been classified as a Variant of Uncertain Significance.

Blueprint Genetics
Classification: Uncertain significance. Last evaluated: 2022-06-02. Review status: criteria provided, single submitter. Criteria: ACMG Guidelines, 2015. Collection method: clinical testing. Allele origin: germline.

NM_001033855.3(DCLRE1C):c.2039T>C (p.Ile680Thr)

Gene: DCLRE1C (DNA cross-link repair 1C; minus strand). Cytogenetic location: 10p13.
Variant type: single nucleotide variant.
Coding change: c.2039T>C on transcript NM_001033855.3 (MANE Select); coding-DNA position 2039, T replaced by C.
Protein change: p.Ile680Thr; replaces isoleucine 680 with threonine.
Molecular consequence: missense variant. On other transcripts: non-coding transcript variant (3), intron variant (3).
Genome position (GRCh38, 1-based): chr10:14,908,448, A>G on the plus strand (T>C on the coding strand, the complement: DCLRE1C is on the minus strand). VCF-style: chr10-14908448-A-G. GRCh37 (hg19) VCF-style: chr10-14950447-A-G.
Other names: c.1679T>C, p.Ile560Thr (NM_001033857.3, NM_001033858.3, NM_001289077.2 and 1 more transcripts); c.1694T>C, p.Ile565Thr (NM_001289076.2, NM_001289078.2, NM_022487.4); c.1437+257T>C (NM_001350966.2); c.1782+257T>C (NM_001350965.2); c.1422+257T>C (NM_001350967.2); short protein forms I680T, I560T, I565T.
Identifiers: ClinVar variation 579838 (VCV000579838.7), dbSNP rs140602902, ClinGen allele CA5416344.